The following is an entry in ClinVar:

NM_004999.4(MYO6):c.2151G>T (p.Met717Ile)

Gene: MYO6 (myosin VI; plus strand). Cytogenetic location: 6q14.1.
Variant type: single nucleotide variant.
Coding change: c.2151G>T on transcript NM_004999.4 (MANE Select); coding-DNA position 2151, G replaced by T.
Protein change: p.Met717Ile; replaces methionine 717 with isoleucine.
Molecular consequence: missense variant. On other transcripts: non-coding transcript variant (1).
Genome position (GRCh38, 1-based): chr6:75,879,893, G>T. VCF-style: chr6-75879893-G-T. GRCh37 (hg19) VCF-style: chr6-76589610-G-T.
Other names: c.2151G>T, p.Met717Ile (NM_001368137.1, NM_001368865.1, NM_001368866.1 and 2 more transcripts); c.2136G>T, p.Met712Ile (NM_001368138.1); short protein forms M712I, M717I.
Identifiers: ClinVar variation 1254430 (VCV001254430.5), dbSNP rs1409808281, ClinGen allele CA364772062.

ClinVar aggregate classification (germline): Uncertain significance. Review status: criteria provided, multiple submitters, no conflicts (2 of 4 stars). 3 submissions from 3 submitters: Uncertain significance (3). Last evaluated 2025-12-15.

Conditions:
Inborn genetic diseases. Identifiers: MedGen C0950123, MeSH D030342.

Allele frequency attached by ClinVar (database versions not stated): gnomAD 0.00001; gnomAD exomes below 0.00001.
gnomAD v4.1: 3 of 1,613,904 alleles (0.00019%); highest among the groups gnomAD compares: Admixed American, 0.005%; no homozygotes.

Submissions (3):

Labcorp Genetics (formerly Invitae), Labcorp
Classification: Uncertain significance. Last evaluated: 2025-12-15. Review status: criteria provided, single submitter. Criteria: Invitae Variant Classification Sherloc (09022015). Collection method: clinical testing. Allele origin: germline.
Comment: This sequence change replaces methionine, which is neutral and non-polar, with isoleucine, which is neutral and non-polar, at codon 717 of the MYO6 protein (p.Met717Ile). This variant is present in population databases (no rsID available, gnomAD 0.003%). This variant has not been reported in the literature in individuals affected with MYO6-related conditions. ClinVar contains an entry for this variant (Variation ID: 1254430). Invitae Evidence Modeling of protein sequence and biophysical properties (such as structural, functional, and spatial information, amino acid conservation, physicochemical variation, residue mobility, and thermodynamic stability) indicates that this missense variant is not expected to disrupt MYO6 protein function with a negative predictive value of 80%. In summary, the available evidence is currently insufficient to determine the role of this variant in disease. Therefore, it has been classified as a Variant of Uncertain Significance.

Ambry Genetics
Classification: Uncertain significance for Inborn genetic diseases. Last evaluated: 2025-08-11. Review status: criteria provided, single submitter. Criteria: Ambry Variant Classification Scheme 2023. Collection method: clinical testing. Allele origin: germline.

GeneDx
Classification: Uncertain significance. Last evaluated: 2022-12-05. Review status: criteria provided, single submitter. Criteria: GeneDx Variant Classification Process June 2021. Collection method: clinical testing. Allele origin: germline. Affected: yes.
Comment: Not observed at a significant frequency in large population cohorts (gnomAD); In silico analysis supports that this missense variant has a deleterious effect on protein structure/function; Has not been previously published as pathogenic or benign to our knowledge